The following is an entry in ClinVar:

ClinVar aggregate classification (germline): Pathogenic (1 of 4 stars; one submission).

Conditions:
Inborn genetic diseases. Identifiers: MedGen C0950123, MeSH D030342.

Submission:

Ambry Genetics
Classification: Pathogenic for Inborn genetic diseases. Last evaluated: 2025-08-05. Review status: criteria provided, single submitter. Criteria: Ambry Variant Classification Scheme 2023. Collection method: clinical testing. Allele origin: germline.
Comment: The c.471delT pathogenic mutation, located in coding exon 5 of the ETV6 gene, results from a deletion of one nucleotide at nucleotide position 471, causing a translational frameshift with a predicted alternate stop codon (p.C157Wfs*52). This variant is considered to be rare based on population cohorts in the Genome Aggregation Database (gnomAD). This alteration is expected to result in loss of function by premature protein truncation or nonsense-mediated mRNA decay. As such, this alteration is interpreted as a disease-causing mutation.

NM_001987.5(ETV6):c.471del (p.Cys157fs)

Gene: ETV6 (ETS variant transcription factor 6; plus strand). Cytogenetic location: 12p13.2.
Variant type: Deletion.
Coding change: c.471del on transcript NM_001987.5 (MANE Select); coding-DNA position 471, one base deleted (T; older notation c.471delT).
Protein change: p.Cys157fs; shifts the reading frame from cysteine 157.
Molecular consequence: frameshift variant.
Genome position (GRCh38, 1-based): chr12:11,869,431, T deleted. VCF-style (leftmost placement, unchanged base first): chr12-11869430-GT-G. GRCh37 (hg19) VCF-style: chr12-12022364-GT-G.
Other names: c.471del, p.Cys157fs (NM_001413916.1, NM_001413917.1); c.468del, p.Cys156fs (NM_001413913.1); c.444del, p.Cys148fs (NM_001413914.1); c.207del, p.Cys69fs (NM_001413915.1); short protein forms C148fs, C156fs, C69fs, C157fs.
Identifiers: ClinVar variation 4251455 (VCV004251455.1).